The following is an entry in ClinVar:

ClinVar aggregate classification (germline): Likely benign. Review status: reviewed by expert panel (3 of 4 stars). 4 submissions from 4 submitters: Likely benign (1). 3 of the submissions do not count toward it. Last evaluated 2026-08-17.

Conditions:
Alexander disease (ALXDRD). Also called: Alexander's disease. Identifiers: Orphanet 58, MedGen C0270726, MONDO:0008752, OMIM 203450.

Allele frequency attached by ClinVar (database versions not stated): ExAC 0.00003; gnomAD 0.00003 and 0.00004; TOPMed 0.00003.
gnomAD v4.1: 21 of 1,601,180 alleles (0.0013%); highest among the groups gnomAD compares: African/African-American, 0.0067%; no homozygotes.

Submissions (4):

ClinGen Leukodystrophy and Leukoencephalopathy Variant Curation Expert Panel, ClinGen
Classification: Likely benign for Alexander disease. Last evaluated: 2026-08-17. Review status: reviewed by expert panel. Criteria: ClinGen Leuko ACMG Specifications GFAP V1.0. Collection method: curation. Allele origin: germline. Inheritance: Autosomal dominant inheritance.
Comment: The c.31C>T variant in GFAP is a missense variant predicted to cause substitution of arginine by cysteine at amino acid 11 (p.Arg11Cys). The Total GrpMax filtering allele frequency in gnomAD v4.1.1 is 0.00002555 from the African/African American genetic ancestry group (the lower threshold of the 95% CI of 5/74698 alleles), which is higher than the ClinGen Leukodystrophy and Leukoencephalopathy VCEP threshold (>0.00001) for BS1, and therefore meets this criterion (BS1). This variant was identified in multiple probands who do not meet clinical criteria for Alexander disease including one who has an alternate molecular basis for disease (BP5; PMID: 26467153; ClinVar ID: 994616; Personal communication, Labcorp Genetics (formerly Invitae) ClinVar SCV002291632.5; Personal communication, Athena Diagnostics ClinVar SCV001475138.1; Personal communication, CeGaT Center for Human Genetics Tuebingen ClinVar SCV004140702.22). In summary, this variant meets the criteria to be classified as likely benign for Alexander disease based on the ACMG/AMP criteria applied, as specified by the ClinGen Leukodystrophy and Leukoencephalopathy Expert Panel: BS1, BP5 (ClinGen Leukodystrophy and Leukoencephalopathy VCEP Specifications Version 1.0.0).

Labcorp Genetics (formerly Invitae), Labcorp
Classification: Uncertain significance. Last evaluated: 2023-08-19. Review status: criteria provided, single submitter. Criteria: Invitae Variant Classification Sherloc (09022015). Collection method: clinical testing. Allele origin: germline. Not counted in ClinVar's aggregate classification.
Comment: This sequence change replaces arginine, which is basic and polar, with cysteine, which is neutral and slightly polar, at codon 11 of the GFAP protein (p.Arg11Cys). The frequency data for this variant in the population databases is considered unreliable, as metrics indicate poor data quality at this position in the gnomAD database. This missense change has been observed in individual(s) with cerebellar ataxia (PMID: 26467153). ClinVar contains an entry for this variant (Variation ID: 994616). Advanced modeling of protein sequence and biophysical properties (such as structural, functional, and spatial information, amino acid conservation, physicochemical variation, residue mobility, and thermodynamic stability) has been performed at Invitae for this missense variant, however the output from this modeling did not meet the statistical confidence thresholds required to predict the impact of this variant on GFAP protein function. In summary, the available evidence is currently insufficient to determine the role of this variant in disease. Therefore, it has been classified as a Variant of Uncertain Significance.

CeGaT Center for Human Genetics Tuebingen
Classification: Uncertain significance. Last evaluated: 2022-11-01. Review status: criteria provided, single submitter. Criteria: CeGaT Center For Human Genetics Tuebingen Variant Classification Criteria Version 2. Collection method: clinical testing. Allele origin: germline. Affected: yes. Observed: 1 variant allele. Not counted in ClinVar's aggregate classification.

Athena Diagnostics
Classification: Uncertain significance. Last evaluated: 2020-04-02. Review status: criteria provided, single submitter. Criteria: Athena Diagnostics Criteria. Collection method: clinical testing. Allele origin: unknown. Not counted in ClinVar's aggregate classification.

Literature cited by the submitters: PubMed 26467153 (cited by Labcorp Genetics (formerly Invitae), Labcorp and Athena Diagnostics).

NM_002055.5(GFAP):c.31C>T (p.Arg11Cys)

Gene: GFAP (glial fibrillary acidic protein; minus strand). Cytogenetic location: 17q21.31.
Variant type: single nucleotide variant.
Coding change: c.31C>T on transcript NM_002055.5 (MANE Select); coding-DNA position 31, C replaced by T.
Protein change: p.Arg11Cys; replaces arginine 11 with cysteine.
Molecular consequence: missense variant.
Genome position (GRCh38, 1-based): chr17:44,915,456, G>A on the plus strand (C>T on the coding strand, the complement: GFAP is on the minus strand). VCF-style: chr17-44915456-G-A. GRCh37 (hg19) VCF-style: chr17-42992824-G-A.
Other names: NM_002055.5(GFAP):c.31C>T; p.Arg11Cys; c.31C>T, p.Arg11Cys (NM_001131019.3, NM_001242376.3, NM_001363846.2); short protein forms R11C.
Identifiers: ClinVar variation 994616 (VCV000994616.33), dbSNP rs749815672, ClinGen allele CA8609129.